The following is an entry in ClinVar:

ClinVar aggregate classification (germline): Benign/Likely benign. Review status: criteria provided, multiple submitters, no conflicts (2 of 4 stars). 8 submissions from 7 submitters: Benign (7); Likely benign (1). Last evaluated 2026-02-01.

Conditions:
Connective tissue disorder. Also called: Connective tissue disease. Identifiers: MedGen C0009782, MONDO:0003900.
Schwartz-Jampel syndrome. Also called: Myotonic myopathy dwarfism chondrodystrophy and ocular and facial abnormalities. Identifiers: Orphanet 800, MedGen C0036391, MONDO:0009717.
Lethal Kniest-like syndrome (DDSH). Also called: Dyssegmental Dysplasia. Identifiers: Orphanet 1865, MedGen C1857100, MONDO:0009140, OMIM 224410.

Allele frequency attached by ClinVar (database versions not stated): gnomAD exomes 0.00141 and 0.00344; ExAC 0.00414; gnomAD 0.01372 and 0.01467; 1000 Genomes Project 0.01438; TOPMed 0.01441; 1000 Genomes Project 30x 0.01499; ESP Exome Variant Server 0.01499.

Submissions (8):

Labcorp Genetics (formerly Invitae), Labcorp
Classification: Benign. Last evaluated: 2026-02-01. Review status: criteria provided, single submitter. Criteria: Invitae Variant Classification Sherloc (09022015). Collection method: clinical testing. Allele origin: germline.

ARUP Laboratories, Molecular Genetics and Genomics, ARUP Laboratories
Classification: Benign. Last evaluated: 2025-06-20. Review status: criteria provided, single submitter. Criteria: ARUP Molecular Germline Variant Investigation Process 2024. Collection method: clinical testing. Allele origin: germline.

Athena Diagnostics
Classification: Benign. Last evaluated: 2025-01-03. Review status: criteria provided, single submitter. Criteria: Athena Diagnostics Criteria. Collection method: clinical testing. Allele origin: unknown.
Comment: The frequency of this variant in the general population is higher than would generally be expected for pathogenic variants in this gene.

GeneDx
Classification: Benign. Last evaluated: 2018-10-31. Review status: criteria provided, single submitter. Criteria: GeneDx Variant Classification Process June 2021. Collection method: clinical testing. Allele origin: germline. Affected: yes.

Genome Diagnostics Laboratory, The Hospital for Sick Children
Classification: Likely benign for Connective tissue disorder. Last evaluated: 2018-07-01. Review status: criteria provided, single submitter. Criteria: ACMG Guidelines, 2015. Collection method: clinical testing. Allele origin: germline.

Illumina Laboratory Services, Illumina
Classification: Benign for Schwartz-Jampel syndrome type 1. Last evaluated: 2018-01-13. Review status: criteria provided, single submitter. Criteria: ICSL Variant Classification Criteria 13 December 2019. Collection method: clinical testing. Allele origin: germline.
Comment: This variant was observed in the ICSL laboratory as part of a predisposition screen in an ostensibly healthy population. It had not been previously curated by ICSL or reported in the Human Gene Mutation Database (HGMD: prior to June 1st, 2018), and was therefore a candidate for classification through an automated scoring system. Utilizing variant allele frequency, disease prevalence and penetrance estimates, and inheritance mode, an automated score was calculated to assess if this variant is too frequent to cause the disease. Based on the score and internal cut-off values, a variant classified as benign is not then subjected to further curation. The score for this variant resulted in a classification of benign for this disease.

Illumina Laboratory Services, Illumina
Classification: Benign for Lethal Kniest-like syndrome. Last evaluated: 2018-01-13. Review status: criteria provided, single submitter. Criteria: ICSL Variant Classification Criteria 13 December 2019. Collection method: clinical testing. Allele origin: germline.
Comment: the same text as in the submission from Illumina Laboratory Services, Illumina above.

Breakthrough Genomics
Classification: Benign. Review status: criteria provided, single submitter. Criteria: ACMG Guidelines, 2015. Collection method: not provided. Allele origin: germline. Inheritance: Autosomal recessive inheritance. Affected: yes.

Literature cited by the submitters: PubMed 24367280 (cited by Athena Diagnostics).

NM_005529.7(HSPG2):c.7509C>T (p.Cys2503=)

Gene: HSPG2 (heparan sulfate proteoglycan 2; minus strand). Cytogenetic location: 1p36.12.
Variant type: single nucleotide variant.
Coding change: c.7509C>T on transcript NM_005529.7 (MANE Select); coding-DNA position 7509, C replaced by T.
Protein change: p.Cys2503=; no amino-acid change (cysteine 2503 retained).
Molecular consequence: synonymous variant.
Genome position (GRCh38, 1-based): chr1:21,848,969, G>A on the plus strand (C>T on the coding strand, the complement: HSPG2 is on the minus strand). VCF-style: chr1-21848969-G-A. GRCh37 (hg19) VCF-style: chr1-22175462-G-A.
Other names: c.7512C>T, p.Cys2504= (NM_001291860.2).
Identifiers: ClinVar variation 295790 (VCV000295790.32), dbSNP rs62642515, ClinGen allele CA671152.